The following is an entry in ClinVar:

NM_022114.4(PRDM16):c.3538G>A (p.Glu1180Lys)

Gene: PRDM16 (PR/SET domain 16; plus strand). Cytogenetic location: 1p36.32.
Variant type: single nucleotide variant.
Coding change: c.3538G>A on transcript NM_022114.4 (MANE Select); coding-DNA position 3538, G replaced by A.
Protein change: p.Glu1180Lys; replaces glutamic acid 1180 with lysine.
Molecular consequence: missense variant.
Genome position (GRCh38, 1-based): chr1:3,431,982, G>A. VCF-style: chr1-3431982-G-A. GRCh37 (hg19) VCF-style: chr1-3348546-G-A.
Other names: c.3538G>A, p.Glu1180Lys (NM_199454.3); short protein forms E1180K.
Identifiers: ClinVar variation 1015732 (VCV001015732.8), dbSNP rs763267613, ClinGen allele CA544908.
Genomic context (GRCh38, chr1:3,431,982, plus strand): 5'-GGCTGCTGACAGCAGGCCTTCCCTCTCCCCGGTCATTGGTGCAGGTGTGCTGAGGACCAC[G>A]AAGGCGGTCTGTTAGCTTTGGAGCCGATGCCGACTTTTGGGAAGGGGCTGGACCTCCGCA-3'
Protein context (NP_071397.3, residues 1170-1190): DHTRRCAEDH[Glu1180Lys]GGLLALEPMP

ClinVar aggregate classification (germline): Uncertain significance (1 of 4 stars; one submission).

Conditions:
Left ventricular noncompaction 8 (LVNC8). Identifiers: Orphanet 154, Orphanet 54260, MedGen C3809288, MONDO:0014152, OMIM 615373.

Allele frequency attached by ClinVar (database versions not stated): gnomAD 0.00001; gnomAD exomes 0.00001; ExAC 0.00002; TOPMed 0.00002.
gnomAD v4.1: 12 of 1,613,416 alleles (0.00074%); highest among the groups gnomAD compares: East Asian, 0.0045%; no homozygotes.

Submission:

Labcorp Genetics (formerly Invitae), Labcorp
Classification: Uncertain significance for Left ventricular noncompaction 8. Last evaluated: 2023-11-22. Review status: criteria provided, single submitter. Criteria: Invitae Variant Classification Sherloc (09022015). Collection method: clinical testing. Allele origin: germline.
Comment: This sequence change replaces glutamic acid, which is acidic and polar, with lysine, which is basic and polar, at codon 1180 of the PRDM16 protein (p.Glu1180Lys). This variant is present in population databases (rs763267613, gnomAD 0.006%). This variant has not been reported in the literature in individuals affected with PRDM16-related conditions. ClinVar contains an entry for this variant (Variation ID: 1015732). An algorithm developed to predict the effect of missense changes on protein structure and function (PolyPhen-2) suggests that this variant is likely to be tolerated. In summary, the available evidence is currently insufficient to determine the role of this variant in disease. Therefore, it has been classified as a Variant of Uncertain Significance.